The following is an entry in ClinVar:

NM_003924.4(PHOX2B):c.11T>G (p.Met4Arg)

Genes: PHOX2B (paired like homeobox 2B; minus strand), PHOX2B-AS1 (PHOX2B antisense RNA 1; plus strand). Cytogenetic location: 4p13.
Variant type: single nucleotide variant.
Coding change: c.11T>G on transcript NM_003924.4 (MANE Select); coding-DNA position 11, T replaced by G.
Protein change: p.Met4Arg; replaces methionine 4 with arginine.
Molecular consequence: missense variant.
Genome position (GRCh38, 1-based): chr4:41,748,600, A>C on the plus strand (T>G on the coding strand, the complement: PHOX2B is on the minus strand). VCF-style: chr4-41748600-A-C. GRCh37 (hg19) VCF-style: chr4-41750617-A-C.
Other names: short protein forms M4R.
Identifiers: ClinVar variation 467718 (VCV000467718.11), dbSNP rs1553898240, ClinGen allele CA15318835.

ClinVar aggregate classification (germline): Uncertain significance. Review status: criteria provided, multiple submitters, no conflicts (2 of 4 stars). 2 submissions from 2 submitters: Uncertain significance (2). Last evaluated 2024-11-15.

Conditions:
Hereditary cancer-predisposing syndrome. Also called: Neoplastic Syndromes, Hereditary; Tumor predisposition; Hereditary Cancer Syndrome; Hereditary neoplastic syndrome. Identifiers: Orphanet 140162, MedGen C0027672, MeSH D009386, MONDO:0015356.
Haddad syndrome (OHD). Also called: Ondine-Hirschsprung disease. Identifiers: Orphanet 99803, MedGen C1859049, MONDO:0020493.

Submissions (2):

Ambry Genetics
Classification: Uncertain significance for Hereditary cancer-predisposing syndrome. Last evaluated: 2024-11-15. Review status: criteria provided, single submitter. Criteria: Ambry Variant Classification Scheme 2023. Collection method: clinical testing. Allele origin: germline.
Comment: The p.M4R variant (also known as c.11T>G), located in coding exon 1 of the PHOX2B gene, results from a T to G substitution at nucleotide position 11. The methionine at codon 4 is replaced by arginine, an amino acid with similar properties. This amino acid position is highly conserved in available vertebrate species. In addition, this alteration is predicted to be deleterious by in silico analysis. Based on the available evidence, the clinical significance of this variant remains unclear.

Labcorp Genetics (formerly Invitae), Labcorp
Classification: Uncertain significance for Haddad syndrome. Last evaluated: 2023-08-31. Review status: criteria provided, single submitter. Criteria: Invitae Variant Classification Sherloc (09022015). Collection method: clinical testing. Allele origin: germline.
Comment: In summary, the available evidence is currently insufficient to determine the role of this variant in disease. Therefore, it has been classified as a Variant of Uncertain Significance. An algorithm developed to predict the effect of missense changes on protein structure and function (PolyPhen-2) suggests that this variant is likely to be disruptive. ClinVar contains an entry for this variant (Variation ID: 467718). This variant has not been reported in the literature in individuals affected with PHOX2B-related conditions. This variant is not present in population databases (gnomAD no frequency). This sequence change replaces methionine, which is neutral and non-polar, with arginine, which is basic and polar, at codon 4 of the PHOX2B protein (p.Met4Arg).